The following is an entry in ClinVar:

ClinVar aggregate classification (germline): Uncertain significance. Review status: criteria provided, multiple submitters, no conflicts (2 of 4 stars). 2 submissions from 2 submitters: Uncertain significance (2). Last evaluated 2024-08-06.

gnomAD v4.1: 28 of 1,613,070 alleles (0.0017%); highest among the groups gnomAD compares: Non-Finnish European, 0.0022%; no homozygotes.

Submissions (2):

Blueprint Genetics
Classification: Uncertain significance. Last evaluated: 2024-08-06. Review status: criteria provided, single submitter. Criteria: ACMG Guidelines, 2015. Collection method: clinical testing. Allele origin: germline.

CeGaT Center for Human Genetics Tuebingen
Classification: Uncertain significance. Last evaluated: 2023-03-01. Review status: criteria provided, single submitter. Criteria: CeGaT Center For Human Genetics Tuebingen Variant Classification Criteria Version 2. Collection method: clinical testing. Allele origin: germline. Affected: yes. Observed: 1 variant allele.
Comment: ITGB4: PM2, BP4

NM_000213.5(ITGB4):c.1266C>A (p.His422Gln)

Gene: ITGB4 (integrin subunit beta 4; plus strand). Cytogenetic location: 17q25.1.
Variant type: single nucleotide variant.
Coding change: c.1266C>A on transcript NM_000213.5 (MANE Select); coding-DNA position 1266, C replaced by A.
Protein change: p.His422Gln; replaces histidine 422 with glutamine.
Molecular consequence: missense variant.
Genome position (GRCh38, 1-based): chr17:75,731,862, C>A. VCF-style: chr17-75731862-C-A. GRCh37 (hg19) VCF-style: chr17-73727943-C-A.
Other names: c.1266C>A, p.His422Gln (NM_001005619.2, NM_001005731.3, NM_001321123.2); short protein forms H422Q.
Identifiers: ClinVar variation 2648278 (VCV002648278.25), dbSNP rs141916774, ClinGen allele CA8768953.
Genomic context (GRCh38, chr17:75,731,862, plus strand): 5'-GCCCCTGCAGGGTATATACCAGGTGCAGCTGCGGGCCCTTGAGCACGTGGATGGGACGCA[C>A]GTGTGCCAGCTGCCGGAGGACCAGAAGGGCAACATCCATCTGAAACCTTCCTTCTCCGAC-3'
Protein context (NP_000204.3, residues 412-432): LRALEHVDGT[His422Gln]VCQLPEDQKG